The following is an entry in ClinVar:

ClinVar aggregate classification (germline): Uncertain significance (1 of 4 stars; one submission).

Allele frequency attached by ClinVar (database versions not stated): gnomAD exomes 0.00010; ExAC 0.00012; ESP Exome Variant Server 0.00038; gnomAD 0.00048 and 0.00050; TOPMed 0.00052.
gnomAD v4.1: 148 of 1,558,874 alleles (0.0095%); highest among the groups gnomAD compares: African/African-American, 0.18%; no homozygotes.

Submission:

Labcorp Genetics (formerly Invitae), Labcorp
Classification: Uncertain significance. Last evaluated: 2024-09-10. Review status: criteria provided, single submitter. Criteria: Invitae Variant Classification Sherloc (09022015). Collection method: clinical testing. Allele origin: germline.
Comment: This sequence change replaces alanine, which is neutral and non-polar, with threonine, which is neutral and polar, at codon 182 of the SLC13A3 protein (p.Ala182Thr). This variant is present in population databases (rs201118780, gnomAD 0.1%). This variant has not been reported in the literature in individuals affected with SLC13A3-related conditions. ClinVar contains an entry for this variant (Variation ID: 1401109). An algorithm developed to predict the effect of missense changes on protein structure and function outputs the following: PolyPhen-2: "Benign". The threonine amino acid residue is found in multiple mammalian species, which suggests that this missense change does not adversely affect protein function. In summary, the available evidence is currently insufficient to determine the role of this variant in disease. Therefore, it has been classified as a Variant of Uncertain Significance.

NM_022829.6(SLC13A3):c.544G>A (p.Ala182Thr)

Gene: SLC13A3 (solute carrier family 13 member 3; minus strand). Cytogenetic location: 20q13.12.
Variant type: single nucleotide variant.
Coding change: c.544G>A on transcript NM_022829.6 (MANE Select); coding-DNA position 544, G replaced by A.
Protein change: p.Ala182Thr; replaces alanine 182 with threonine.
Molecular consequence: missense variant. On other transcripts: intron variant (1).
Genome position (GRCh38, 1-based): chr20:46,600,035, C>T on the plus strand (G>A on the coding strand, the complement: SLC13A3 is on the minus strand). VCF-style: chr20-46600035-C-T. GRCh37 (hg19) VCF-style: chr20-45228674-C-T.
Other names: c.403G>A, p.Ala135Thr (NM_001011554.3, NM_001193340.2); c.250G>A, p.Ala84Thr (NM_001193342.2); c.542-3693G>A (NM_001193339.2); short protein forms A135T, A182T, A84T.
Identifiers: ClinVar variation 1401109 (VCV001401109.6), dbSNP rs201118780, ClinGen allele CA9891589.